The following is an entry in ClinVar:

NM_000264.5(PTCH1):c.4162G>A (p.Gly1388Arg)

Gene: PTCH1 (patched 1; minus strand). Cytogenetic location: 9q22.32.
Variant type: single nucleotide variant.
Coding change: c.4162G>A on transcript NM_000264.5 (MANE Select); coding-DNA position 4162, G replaced by A.
Protein change: p.Gly1388Arg; replaces glycine 1388 with arginine.
Molecular consequence: missense variant. On other transcripts: non-coding transcript variant (1).
Genome position (GRCh38, 1-based): chr9:95,447,094, C>T on the plus strand (G>A on the coding strand, the complement: PTCH1 is on the minus strand). VCF-style: chr9-95447094-C-T. GRCh37 (hg19) VCF-style: chr9-98209376-C-T.
Other names: c.3964G>A, p.Gly1322Arg (NM_001083602.3); c.4159G>A, p.Gly1387Arg (NM_001083603.3); c.3709G>A, p.Gly1237Arg (NM_001083604.3, NM_001083605.3, NM_001083606.3 and 1 more transcripts); c.4006G>A, p.Gly1336Arg (NM_001354918.2); short protein forms G1322R, G1388R, G1336R, G1387R, G1237R.
Identifiers: ClinVar variation 135105 (VCV000135105.17), dbSNP rs587778631, ClinGen allele CA161739.

ClinVar aggregate classification (germline): Conflicting classifications of pathogenicity. Review status: criteria provided, conflicting classifications (1 of 4 stars). 7 submissions from 7 submitters: Uncertain significance (5); Likely benign (1). 1 of the submissions does not count toward it. Last evaluated 2026-01-21.

Conditions:
Hereditary cancer-predisposing syndrome. Also called: Tumor predisposition; Hereditary neoplastic syndrome; Neoplastic Syndromes, Hereditary; Hereditary Cancer Syndrome. Identifiers: Orphanet 140162, MedGen C0027672, MeSH D009386, MONDO:0015356.
Basal cell carcinoma, susceptibility to, 1. Also called: BCC1. Identifiers: MedGen C2751544, MONDO:0011556, OMIM 605462.
Gorlin syndrome. Also called: Nevoid Basal Cell Carcinoma Syndrome; Basal cell nevus syndrome. Identifiers: Orphanet 377, MedGen C0004779, MONDO:0007187.
Holoprosencephaly 7 (HPE7). Identifiers: Orphanet 2162, MedGen C1835820, MONDO:0012562, OMIM 610828.
PTCH1-related disorder. Also called: PTCH1-related disorders; PTCH1-related condition.

Allele frequency attached by ClinVar (database versions not stated): gnomAD exomes below 0.00001; TOPMed below 0.00001; ExAC 0.00001; gnomAD 0.00001.
gnomAD v4.1: 6 of 1,613,682 alleles (0.00037%); highest among the groups gnomAD compares: Non-Finnish European, 0.00051%; no homozygotes.

Submissions (7):

Labcorp Genetics (formerly Invitae), Labcorp
Classification: Uncertain significance for Gorlin syndrome. Last evaluated: 2026-01-21. Review status: criteria provided, single submitter. Criteria: Invitae Variant Classification Sherloc (09022015). Collection method: clinical testing. Allele origin: germline.
Comment: This sequence change replaces glycine, which is neutral and non-polar, with arginine, which is basic and polar, at codon 1388 of the PTCH1 protein (p.Gly1388Arg). This variant is present in population databases (rs587778631, gnomAD 0.0009%). This variant has not been reported in the literature in individuals affected with PTCH1-related conditions. ClinVar contains an entry for this variant (Variation ID: 135105). Invitae Evidence Modeling of protein sequence and biophysical properties (such as structural, functional, and spatial information, amino acid conservation, physicochemical variation, residue mobility, and thermodynamic stability) indicates that this missense variant is not expected to disrupt PTCH1 protein function with a negative predictive value of 95%. RNA analysis performed to evaluate the impact of this missense change on mRNA splicing indicates it does not significantly alter splicing (internal data). In summary, the available evidence is currently insufficient to determine the role of this variant in disease. Therefore, it has been classified as a Variant of Uncertain Significance.

Center for Genomic Medicine, Rigshospitalet, Copenhagen University Hospital
Classification: Uncertain significance. Last evaluated: 2025-03-04. Review status: criteria provided, single submitter. Criteria: ACMG Guidelines, 2015. Collection method: clinical testing. Allele origin: germline.

PreventionGenetics, part of Exact Sciences
Classification: Uncertain significance for PTCH1-related condition. Last evaluated: 2023-05-15. Review status: criteria provided, single submitter. Criteria: ACMG Guidelines, 2015. Collection method: clinical testing. Allele origin: germline.
Comment: The PTCH1 c.4162G>A variant is predicted to result in the amino acid substitution p.Gly1388Arg. To our knowledge, this variant has not been reported in the literature. This variant is reported in 0.00089% of alleles in individuals of European (Non-Finnish) descent in gnomAD. At this time, the clinical significance of this variant is uncertain due to the absence of conclusive functional and genetic evidence.

Ambry Genetics
Classification: Likely benign for Hereditary cancer-predisposing syndrome. Last evaluated: 2023-03-14. Review status: criteria provided, single submitter. Criteria: Ambry Variant Classification Scheme 2023. Collection method: clinical testing. Allele origin: germline.

New York Genome Center
Classification: Uncertain significance for Basal cell nevus syndrome 1. Last evaluated: 2021-05-28. Review status: criteria provided, single submitter. Criteria: NYGC Assertion Criteria 2020. Collection method: clinical testing. Allele origin: inherited. Observed: 1 heterozygote. Study: CSER-NYCKidSeq.
Comment: The inherited heterozygous missense variant c.4162G>A, p.Gly1388Arg) in the PTCH1 gene has not been reported in the available literature. The variant has one heterozygous in the gnomAD database, indicating this is a rare allele. In silico tools predict conflicting evidence of pathogenicity. Based on the available evidence, c.4162G>A, p.Gly1388Arg) in the PTCH1 gene is classified as a variant of uncertain significance

Fulgent Genetics
Classification: Uncertain significance for Basal cell nevus syndrome 1; Basal cell carcinoma, susceptibility to, 1; Holoprosencephaly 7. Last evaluated: 2018-10-31. Review status: criteria provided, single submitter. Criteria: ACMG Guidelines, 2015. Collection method: clinical testing. Allele origin: unknown.

ITMI
No classification provided. Condition: AllHighlyPenetrant. Last evaluated: 2013-09-19. Review status: no classification provided. Collection method: reference population. Allele origin: germline. Not counted in ClinVar's aggregate classification.
Comment: Please see associated publication for description of ethnicities

Literature cited by the submitters: PubMed 24728327 (cited by Ambry Genetics and ITMI).